The following is an entry in ClinVar:

NM_000059.4(BRCA2):c.5035dup (p.Thr1679fs)

Gene: BRCA2 (BRCA2 DNA repair associated; plus strand). Cytogenetic location: 13q13.1.
Variant type: Duplication.
Coding change: c.5035dup on transcript NM_000059.4 (MANE Select); coding-DNA position 5035, one base duplicated (A; older notation c.5035dupA).
Protein change: p.Thr1679fs; shifts the reading frame from threonine 1679.
Molecular consequence: frameshift variant.
Genome position (GRCh38, 1-based): chr13:32,339,390, A duplicated; the last of 5 consecutive A bases (chr13:32,339,386-32,339,390); duplicating any one gives the same sequence. VCF-style (leftmost placement, unchanged base first): chr13-32339385-G-GA. GRCh37 (hg19) VCF-style: chr13-32913522-G-GA.
Other names: c.5035dupA (NM_000059.3); short protein forms T1679fs.
Identifiers: ClinVar variation 684404 (VCV000684404.2), dbSNP rs80359477, ClinGen allele CA915948482.

ClinVar aggregate classification (germline): Pathogenic (0 of 4 stars; one submission).

Conditions:
Breast-ovarian cancer, familial, susceptibility to, 2 (BROVCA2). Also called: BRCA2 Hereditary Breast and Ovarian Cancer. Identifiers: Orphanet 145, MedGen C2675520, MONDO:0012933, OMIM 612555. Disease mechanism: loss of function.

Submission:

MVZ Praenatalmedizin und Genetik Nuernberg
Classification: Pathogenic for Breast-ovarian cancer, familial, susceptibility to, 2. Last evaluated: 2019-07-31. Review status: no assertion criteria provided. Collection method: clinical testing. Allele origin: germline. Inheritance: Autosomal dominant inheritance. Affected: yes. Observed: 1 heterozygote.
Comment: This variant was not listed in the databases (ClinVar, BRCA-Share, ARUP, BIC). GnomAD shows no entry (very rare or private variant). This frameshift-variant in exon 11 results in a premature stop-codon. Taken together, we classify this variant as pathogenic.